The following is an entry in ClinVar:

NM_052903.6(TUBGCP5):c.2444T>C (p.Leu815Ser)

Gene: TUBGCP5 (tubulin gamma complex component 5; minus strand). Cytogenetic location: 15q11.2.
Variant type: single nucleotide variant.
Coding change: c.2444T>C on transcript NM_052903.6 (MANE Select); coding-DNA position 2444, T replaced by C.
Protein change: p.Leu815Ser; replaces leucine 815 with serine.
Molecular consequence: missense variant. On other transcripts: non-coding transcript variant (1).
Genome position (GRCh38, 1-based): chr15:23,006,141, A>G on the plus strand (T>C on the coding strand, the complement: TUBGCP5 is on the minus strand). VCF-style: chr15-23006141-A-G. GRCh37 (hg19) VCF-style: chr15-22866927-T-C.
Other names: c.2444T>C, p.Leu815Ser (NM_001102610.2, NM_001354373.2, NM_001354375.2 and 1 more transcripts); c.2447T>C, p.Leu816Ser (NM_001354372.2, NM_001354377.2, NM_001354378.2); c.2402T>C, p.Leu801Ser (NM_001354374.2); short protein forms L801S, L815S, L816S.
Identifiers: ClinVar variation 2672578 (VCV002672578.23), dbSNP rs536316130, ClinGen allele CA7423853.

ClinVar aggregate classification (germline): Likely benign (1 of 4 stars; one submission).

Allele frequency attached by ClinVar (database versions not stated): TOPMed 0.00008; gnomAD 0.00033; gnomAD exomes 0.00062; ExAC 0.00135; 1000 Genomes Project 0.00240; 1000 Genomes Project 30x 0.00265.
gnomAD v4.1: 970 of 1,611,524 alleles (0.06%); highest among the groups gnomAD compares: South Asian, 0.89%; 22 homozygotes.

Submission:

CeGaT Center for Human Genetics Tuebingen
Classification: Likely benign. Last evaluated: 2023-11-01. Review status: criteria provided, single submitter. Criteria: CeGaT Center For Human Genetics Tuebingen Variant Classification Criteria Version 2. Collection method: clinical testing. Allele origin: germline. Affected: yes. Observed: 1 variant allele.
Comment: TUBGCP5: BS2